The following is an entry in ClinVar:

NM_000517.6(HBA2):c.69C>T (p.Gly23=)

Genes: HBA2 (hemoglobin subunit alpha 2; plus strand), LOC106804612 (hemoglobin subunit alpha 2 recombination region; plus strand). Cytogenetic location: 16p13.3.
Variant type: single nucleotide variant.
Coding change: c.69C>T on transcript NM_000517.6 (MANE Select); coding-DNA position 69, C replaced by T.
Protein change: p.Gly23=; no amino-acid change (glycine 23 retained).
Molecular consequence: synonymous variant.
Genome position (GRCh38, 1-based): chr16:172,981, C>T. VCF-style: chr16-172981-C-T. GRCh37 (hg19) VCF-style: chr16-222980-C-T.
Other names: G22G; c.69C>T (NM_000517.5).
Identifiers: ClinVar variation 15687 (VCV000015687.16), dbSNP rs63751457, ClinGen allele CA125652.

ClinVar aggregate classification (germline): Pathogenic/Likely pathogenic. Review status: criteria provided, multiple submitters, no conflicts (2 of 4 stars). 4 submissions from 4 submitters: Pathogenic (1); Likely pathogenic (2). 1 of the submissions does not count toward it. Last evaluated 2025-09-20.

Conditions:
Alpha-thalassemia, Dutch type. Also called: Alpha plus thalassemia. Identifiers: MedGen C1456873.
alpha Thalassemia. Also called: Alpha thalassemia spectrum. Identifiers: Orphanet 846, MedGen C0002312, MONDO:0011399, OMIM 604131.

Allele frequency attached by ClinVar (database versions not stated): gnomAD exomes 0.00004.

Submissions (4):

Natera, Inc.
Classification: Pathogenic for Alpha thalassemia. Last evaluated: 2025-09-20. Review status: criteria provided, single submitter. Criteria: Natera Variant Classification Schema (03/2026). Collection method: clinical testing. Allele origin: germline.
Comment: The c.69C>T variant in HBA2 is a synonymous variant that does not alter the encoded amino acid at position 23 (p.G23=). This variant is rare in the general population with a frequency below the threshold expected for the associated phenotype(s). This variant has been observed in one or more individuals affected with the associated recessive disease, as either homozygous or compound heterozygous with a second variant (PMID: 19657838, 26365411, 23614625). Additionally, this variant has been observed to segregate in affected family members (PMID: 23614625). Computational prediction algorithms indicate this variant is likely to affect gene or protein function. Given the available evidence, this variant is classified as Pathogenic.

ARUP Laboratories, Molecular Genetics and Genomics, ARUP Laboratories
Classification: Likely pathogenic. Last evaluated: 2024-11-20. Review status: criteria provided, single submitter. Criteria: ARUP Molecular Germline Variant Investigation Process 2024. Collection method: clinical testing. Allele origin: germline.
Comment: The HBA2 c.69C>T; Gly22Gly variant (rs63751457, HbVar ID: 2514), also known as Codon 22 C>T, is reported in the literature in several individuals affected with alpha thalassemia and has been reported in trans to several pathogenic variants (Deshpande 2015, Harteveld 2004, Nainggolan 2010, Nainggolan 2013, HbVar database). The Gly22Gly variant is reported in ClinVar (Variation ID: 15687) and is found on two chromosomes in the Genome Aggregation Database, indicating it is not a common polymorphism. This is a synonymous variant in a weakly conserved nucleotide, and computational analyses (Alamut v.2.11) predict that this variant impacts splicing by creating a novel cryptic splice donor site. Splicing at this cryptic donor site is predicted to cause a frameshift and premature stop codon (Harteveld 2004). Based on available information, this variant is considered to be likely pathogenic. References: HbVar database entry: Deshpande P et al. Characterization of Clinical and Laboratory Profiles of the Deletional a2-Globin Gene Polyadenylation Signal Sequence (AATAAA?>?AATA-?-) in an Indian Population. Hemoglobin. 2015;39(6):415-8. PMID: 26365411 Harteveld CL et al. An alpha-thalassemia phenotype in a Dutch Hindustani, caused by a new point mutation that creates an alternative splice donor site in the first exon of the alpha2-globin gene. Hemoglobin. 2004 Aug;28(3):255-9. PMID: 15481895 Nainggolan IM et al. Hydrops fetalis associated with homozygosity for Hb Adana [alpha59(E8)Gly-->Asp (alpha2)]. Hemoglobin. 2010;34(4):394-401. PMID: 20642338 Nainggolan IM et al. Interaction of Hb adana (HBA2: c.179G>A) with deletional and nondeletional a(+)-thalassemia mutations: diverse hematological and clinical features. Hemoglobin. 2013;37(3):297-305. PMID: 23614625

Quest Diagnostics Nichols Institute San Juan Capistrano
Classification: Likely pathogenic. Last evaluated: 2024-07-09. Review status: criteria provided, single submitter. Criteria: Quest Diagnostics criteria. Collection method: clinical testing. Allele origin: unknown.
Comment: The HBA2 c.69C>T (p.Gly23=) synonymous variant (also known as Codon 22 C>T) is predicted to interfere with normal splicing of the HBA2 mRNA (PMID: 15481895 (2004)). In the published literature, this variant has been reported as being associated with alpha(+)-thalassemia (PMID: 15481895 (2004), 20642338 (2010), 23614625 (2013), 26365411 (2015), 36567661 (2023), 37033172 (2023)). Analysis of this variant using software algorithms for the prediction of the effect of nucleotide changes on HBA2 mRNA splicing yielded predictions that this variant may result in the gain of a cryptic splice site without affecting the natural splice sites. Based on the available information, this variant is classified as likely pathogenic.

OMIM
Classification: Pathogenic for ALPHA-PLUS-THALASSEMIA. Last evaluated: 2004-08-01. Review status: no assertion criteria provided. Collection method: literature only. Allele origin: germline. Not counted in ClinVar's aggregate classification.

Literature cited by the submitters: PubMed 19657838 (cited by Natera, Inc.); PubMed 26365411 (cited by Natera, Inc. and Quest Diagnostics Nichols Institute San Juan Capistrano); PubMed 23614625 (cited by Natera, Inc. and Quest Diagnostics Nichols Institute San Juan Capistrano); PubMed 29032940 (cited by Quest Diagnostics Nichols Institute San Juan Capistrano); PubMed 20507641 (cited by Quest Diagnostics Nichols Institute San Juan Capistrano); PubMed 38459613 (cited by Quest Diagnostics Nichols Institute San Juan Capistrano); PubMed 15481895 (cited by Quest Diagnostics Nichols Institute San Juan Capistrano and OMIM); PubMed 20642338 (cited by Quest Diagnostics Nichols Institute San Juan Capistrano); PubMed 37033172 (cited by Quest Diagnostics Nichols Institute San Juan Capistrano); PubMed 36567661 (cited by Quest Diagnostics Nichols Institute San Juan Capistrano).